The following is an entry in ClinVar:

NM_022168.4(IFIH1):c.1270T>C (p.Leu424=)

Gene: IFIH1 (interferon induced with helicase C domain 1; minus strand). Cytogenetic location: 2q24.2.
Variant type: single nucleotide variant.
Coding change: c.1270T>C on transcript NM_022168.4 (MANE Select); coding-DNA position 1270, T replaced by C.
Protein change: p.Leu424=; no amino-acid change (leucine 424 retained).
Molecular consequence: synonymous variant.
Genome position (GRCh38, 1-based): chr2:162,282,402, A>G on the plus strand (T>C on the coding strand, the complement: IFIH1 is on the minus strand). VCF-style: chr2-162282402-A-G. GRCh37 (hg19) VCF-style: chr2-163138912-A-G.
Other names: p.Leu424=.
Identifiers: ClinVar variation 2079513 (VCV002079513.5), dbSNP rs762510649, ClinGen allele CA1934578.

ClinVar aggregate classification (germline): Likely benign. Review status: criteria provided, multiple submitters, no conflicts (2 of 4 stars). 2 submissions from 2 submitters: Likely benign (2). Last evaluated 2025-07-14.

Conditions:
Aicardi-Goutieres syndrome 7 (AGS7). Identifiers: Orphanet 51, MedGen C3888244, MONDO:0014367, OMIM 615846.
Singleton-Merten syndrome 1 (SGMRT1). Also called: Widened medullary cavities of bone, aortic calcification, abnormal dentition, and muscular weakness; Syndrome of widened medullary cavities of the metacarpals and phalanges, aortic calcification and abnormal dentition. Identifiers: Orphanet 85191, MedGen C4225427, MONDO:0024535, OMIM 182250.

Allele frequency attached by ClinVar (database versions not stated): TOPMed 0.00003; gnomAD 0.00002; ExAC 0.00003.
gnomAD v4.1: 20 of 1,611,160 alleles (0.0012%); highest among the groups gnomAD compares: African/African-American, 0.004%; no homozygotes.

Submissions (2):

Mayo Clinic Laboratories, Mayo Clinic
Classification: Likely benign. Last evaluated: 2025-07-14. Review status: criteria provided, single submitter. Criteria: ACMG Guidelines, 2015. Collection method: clinical testing. Allele origin: germline. Observed: 1 variant allele.
Comment: BP4, BP7

Labcorp Genetics (formerly Invitae), Labcorp
Classification: Likely benign for Aicardi-Goutieres syndrome 7; Singleton-Merten syndrome 1. Last evaluated: 2025-06-22. Review status: criteria provided, single submitter. Criteria: Invitae Variant Classification Sherloc (09022015). Collection method: clinical testing. Allele origin: germline.